The following is an entry in ClinVar:

ClinVar aggregate classification (germline): Benign/Likely benign. Review status: criteria provided, multiple submitters, no conflicts (2 of 4 stars). 4 submissions from 4 submitters: Benign (2); Likely benign (1). 1 of the submissions does not count toward it. Last evaluated 2026-01-28.

Conditions:
Intellectual developmental disorder, autosomal dominant 56. Also called: MENTAL RETARDATION, AUTOSOMAL DOMINANT 56; Intellectual disability, autosomal dominant 56. Identifiers: MedGen C4693389, MONDO:0030922, OMIM 617854.
CLTC-related disorder. Also called: CLTC-related condition.

Allele frequency attached by ClinVar (database versions not stated): gnomAD exomes 0.00092 and 0.00226; ExAC 0.00278; gnomAD 0.00870 and 0.00940; 1000 Genomes Project 30x 0.00874; ESP Exome Variant Server 0.00930; 1000 Genomes Project 0.00919; TOPMed 0.01023.
gnomAD v4.1: 2,739 of 1,592,266 alleles (0.17%); highest among the groups gnomAD compares: African/African-American, 2.9%; 34 homozygotes.

Submissions (4):

Labcorp Genetics (formerly Invitae), Labcorp
Classification: Benign. Last evaluated: 2026-01-28. Review status: criteria provided, single submitter. Criteria: Invitae Variant Classification Sherloc (09022015). Collection method: clinical testing. Allele origin: germline.

Fulgent Genetics
Classification: Likely benign for Intellectual developmental disorder, autosomal dominant 56. Last evaluated: 2021-08-06. Review status: criteria provided, single submitter. Criteria: ACMG Guidelines, 2015. Collection method: clinical testing. Allele origin: unknown.

Breakthrough Genomics
Classification: Benign. Review status: criteria provided, single submitter. Criteria: ACMG Guidelines, 2015. Collection method: not provided. Allele origin: germline. Inheritance: Autosomal dominant inheritance. Affected: yes.

PreventionGenetics, part of Exact Sciences
Classification: Benign for CLTC-related condition. Last evaluated: 2024-05-06. Review status: no assertion criteria provided. Collection method: clinical testing. Allele origin: germline. Not counted in ClinVar's aggregate classification.
Comment: This variant is classified as benign based on ACMG/AMP sequence variant interpretation guidelines (Richards et al. 2015 PMID: 25741868, with internal and published modifications).

NM_004859.4(CLTC):c.2797-9C>T

Gene: CLTC (clathrin heavy chain; plus strand). Cytogenetic location: 17q23.1.
Variant type: single nucleotide variant.
Coding change: c.2797-9C>T on transcript NM_004859.4 (MANE Select); 9 bases into the intron before coding-DNA position 2797, C replaced by T.
Molecular consequence: intron variant.
Genome position (GRCh38, 1-based): chr17:59,679,388, C>T. VCF-style: chr17-59679388-C-T. GRCh37 (hg19) VCF-style: chr17-57756749-C-T.
Other names: c.2809-9C>T (NM_001288653.2).
Identifiers: ClinVar variation 786952 (VCV000786952.15), dbSNP rs148657971, ClinGen allele CA8681470.